The following is an entry in ClinVar:

NM_001563.4(IMPG1):c.454G>A (p.Asp152Asn)

Gene: IMPG1 (interphotoreceptor matrix proteoglycan 1; minus strand). Cytogenetic location: 6q14.1.
Variant type: single nucleotide variant.
Coding change: c.454G>A on transcript NM_001563.4 (MANE Select); coding-DNA position 454, G replaced by A.
Protein change: p.Asp152Asn; replaces aspartic acid 152 with asparagine.
Molecular consequence: missense variant.
Genome position (GRCh38, 1-based): chr6:76,034,635, C>T on the plus strand (G>A on the coding strand, the complement: IMPG1 is on the minus strand). VCF-style: chr6-76034635-C-T. GRCh37 (hg19) VCF-style: chr6-76744352-C-T.
Other names: c.220G>A, p.Asp74Asn (NM_001282368.2); short protein forms D152N, D74N.
Identifiers: ClinVar variation 3726530 (VCV003726530.2).

ClinVar aggregate classification (germline): Uncertain significance (1 of 4 stars; one submission).

Submission:

Labcorp Genetics (formerly Invitae), Labcorp
Classification: Uncertain significance. Last evaluated: 2024-12-03. Review status: criteria provided, single submitter. Criteria: Invitae Variant Classification Sherloc (09022015). Collection method: clinical testing. Allele origin: germline.
Comment: This sequence change replaces aspartic acid, which is acidic and polar, with asparagine, which is neutral and polar, at codon 152 of the IMPG1 protein (p.Asp152Asn). This variant is not present in population databases (gnomAD no frequency). This variant has not been reported in the literature in individuals affected with IMPG1-related conditions. An algorithm developed to predict the effect of missense changes on protein structure and function outputs the following: PolyPhen-2: "Benign". The asparagine amino acid residue is found in multiple mammalian species, which suggests that this missense change does not adversely affect protein function. In summary, the available evidence is currently insufficient to determine the role of this variant in disease. Therefore, it has been classified as a Variant of Uncertain Significance.